The following is an entry in ClinVar:

ClinVar aggregate classification (germline): Uncertain significance (1 of 4 stars; one submission).

Conditions:
Complex neurodevelopmental disorder. Identifiers: Orphanet 528084, MedGen C5568766, MONDO:0100038.

gnomAD v4.1: 1 of 1,039,052 alleles (0.000096%); highest among the groups gnomAD compares: East Asian, 0.0062%; no homozygotes.

Submission:

Dasa
Classification: Uncertain significance for Complex neurodevelopmental disorder. Last evaluated: 2026-02-25. Review status: criteria provided, single submitter. Criteria: DASA Assertion Criteria. Collection method: clinical testing. Allele origin: germline.
Comment: NM_000836.4(GRIN2D):c.3245C>T (p.Thr1082Met) is a missense variant that results in the substitution of threonine with methionine. This variant is rare in population databases. Computational prediction algorithms are consistent with a benign effect. The currently available literature and clinical evidence are not sufficient to establish a definitive association between this variant and the reported condition. Therefore, this variant is classified as a variant of uncertain significance.

NM_000836.4(GRIN2D):c.3245C>T (p.Thr1082Met)

Gene: GRIN2D (glutamate ionotropic receptor NMDA type subunit 2D; plus strand). Cytogenetic location: 19q13.33.
Variant type: single nucleotide variant.
Coding change: c.3245C>T on transcript NM_000836.4 (MANE Select); coding-DNA position 3245, C replaced by T.
Protein change: p.Thr1082Met; replaces threonine 1082 with methionine.
Molecular consequence: missense variant.
Genome position (GRCh38, 1-based): chr19:48,443,171, C>T. VCF-style: chr19-48443171-C-T. GRCh37 (hg19) VCF-style: chr19-48946428-C-T.
Other names: short protein forms T1082M.
Identifiers: ClinVar variation 4883593 (VCV004883593.2).